The following is an entry in ClinVar:

ClinVar aggregate classification (germline): Conflicting classifications of pathogenicity. Review status: criteria provided, conflicting classifications (1 of 4 stars). 3 submissions from 3 submitters: Uncertain significance (2); Likely benign (1). Last evaluated 2026-01-28.

Conditions:
Charcot-Marie-Tooth disease axonal type 2O. Also called: CHARCOT-MARIE-TOOTH NEUROPATHY, AXONAL, TYPE 2O; CHARCOT-MARIE-TOOTH DISEASE, AXONAL, AUTOSOMAL DOMINANT, TYPE 2O; Charcot-Marie-Tooth Neuropathy Type 2O; Charcot-Marie-Tooth disease, axonal, type 20. Identifiers: Orphanet 284232, MedGen C3280220, MONDO:0013644, OMIM 614228.

Allele frequency attached by ClinVar (database versions not stated): gnomAD 0.00001 and 0.00002; gnomAD exomes 0.00001; TOPMed 0.00002; 1000 Genomes Project 30x 0.00016; 1000 Genomes Project 0.00020.
gnomAD v4.1: 14 of 1,613,484 alleles (0.00087%); highest among the groups gnomAD compares: East Asian, 0.0022%; no homozygotes.

Submissions (3):

Labcorp Genetics (formerly Invitae), Labcorp
Classification: Likely benign for Charcot-Marie-Tooth disease axonal type 2O. Last evaluated: 2026-01-28. Review status: criteria provided, single submitter. Criteria: Invitae Variant Classification Sherloc (09022015). Collection method: clinical testing. Allele origin: germline.

CeGaT Center for Human Genetics Tuebingen
Classification: Uncertain significance. Last evaluated: 2025-11-01. Review status: criteria provided, single submitter. Criteria: CeGaT Center For Human Genetics Tuebingen Variant Classification Criteria Version 2. Collection method: clinical testing. Allele origin: germline. Affected: yes. Observed: 1 variant allele.
Comment: DYNC1H1: PM2, PP2

GeneDx
Classification: Uncertain significance. Last evaluated: 2017-07-11. Review status: criteria provided, single submitter. Criteria: GeneDx Variant Classification (06012015). Collection method: clinical testing. Allele origin: germline. Affected: yes.
Comment: The A3362T variant has not been published as a pathogenic variant, nor has it been reported as a benign variant to our knowledge. The A3362T variant is not observed at a significant frequency in large population cohorts (Lek et al., 2016; 1000 Genomes Consortium et al., 2015; Exome Variant Server). This variant is a non-conservative amino acid substitution, which is likely to impact secondary protein structure as these residues differ in polarity, charge, size and/or other properties. This substitution occurs at a conserved position within the Stalk domain of the DYNC1H1 protein. In silico analysis is inconsistent in its predictions as to whether or not the variant is damaging to the protein structure/function.

NM_001376.5(DYNC1H1):c.10084G>A (p.Ala3362Thr)

Gene: DYNC1H1 (dynein cytoplasmic 1 heavy chain 1; plus strand). Cytogenetic location: 14q32.31.
Variant type: single nucleotide variant.
Coding change: c.10084G>A on transcript NM_001376.5 (MANE Select); coding-DNA position 10084, G replaced by A.
Protein change: p.Ala3362Thr; replaces alanine 3362 with threonine.
Molecular consequence: missense variant.
Genome position (GRCh38, 1-based): chr14:102,033,069, G>A. VCF-style: chr14-102033069-G-A. GRCh37 (hg19) VCF-style: chr14-102499406-G-A.
Other names: short protein forms A3362T.
Identifiers: ClinVar variation 450333 (VCV000450333.16), dbSNP rs113879661, ClinGen allele CA266969128.